The following is an entry in ClinVar:

ClinVar aggregate classification (germline): Benign/Likely benign. Review status: criteria provided, multiple submitters, no conflicts (2 of 4 stars). 5 submissions from 5 submitters: Benign (3); Likely benign (2). Last evaluated 2026-02-01.

Allele frequency attached by ClinVar (database versions not stated): 1000 Genomes Project 30x 0.00031; 1000 Genomes Project 0.00040; ESP Exome Variant Server 0.00108; TOPMed 0.00137; gnomAD 0.00139 and 0.00143; gnomAD exomes 0.00153 and 0.00165; ExAC 0.00163.
gnomAD v4.1: 2,480 of 1,614,152 alleles (0.15%); highest among the groups gnomAD compares: Middle Eastern, 0.2%; 2 homozygotes.

Submissions (5):

CeGaT Center for Human Genetics Tuebingen
Classification: Likely benign. Last evaluated: 2026-02-01. Review status: criteria provided, single submitter. Criteria: CeGaT Center For Human Genetics Tuebingen Variant Classification Criteria Version 2. Collection method: clinical testing. Allele origin: germline. Affected: yes. Observed: 3 variant alleles.
Comment: TUBA1A: PP2, BP4, BS1

Labcorp Genetics (formerly Invitae), Labcorp
Classification: Benign. Last evaluated: 2026-01-08. Review status: criteria provided, single submitter. Criteria: Invitae Variant Classification Sherloc (09022015). Collection method: clinical testing. Allele origin: germline.

Blueprint Genetics
Classification: Likely benign. Last evaluated: 2024-11-15. Review status: criteria provided, single submitter. Criteria: ACMG Guidelines, 2015. Collection method: clinical testing. Allele origin: germline.

GeneDx
Classification: Benign. Last evaluated: 2018-10-31. Review status: criteria provided, single submitter. Criteria: GeneDx Variant Classification Process June 2021. Collection method: clinical testing. Allele origin: germline. Affected: yes.

Genetic Services Laboratory, University of Chicago
Classification: Benign. Last evaluated: 2013-02-08. Review status: criteria provided, single submitter. Criteria: ACMG Guidelines, 2007. Collection method: clinical testing. Allele origin: germline. Inheritance: Autosomal dominant inheritance.

NM_006009.4(TUBA1A):c.396C>T (p.Leu132=)

Gene: TUBA1A (tubulin alpha 1a; minus strand). Cytogenetic location: 12q13.12.
Variant type: single nucleotide variant.
Coding change: c.396C>T on transcript NM_006009.4 (MANE Select); coding-DNA position 396, C replaced by T.
Protein change: p.Leu132=; no amino-acid change (leucine 132 retained).
Molecular consequence: synonymous variant.
Genome position (GRCh38, 1-based): chr12:49,185,970, G>A on the plus strand (C>T on the coding strand, the complement: TUBA1A is on the minus strand). VCF-style: chr12-49185970-G-A. GRCh37 (hg19) VCF-style: chr12-49579753-G-A.
Other names: c.396C>T, p.Leu132= (NM_001270399.2); c.291C>T, p.Leu97= (NM_001270400.2).
Identifiers: ClinVar variation 160155 (VCV000160155.42), dbSNP rs1143560, ClinGen allele CA173754.